The following is an entry in ClinVar:

ClinVar aggregate classification (germline): Likely pathogenic (1 of 4 stars; one submission).

Conditions:
Intellectual developmental disorder, X-linked 93. Also called: MENTAL RETARDATION, X-LINKED, WITH MACROCEPHALY; Intellectual disability, X-linked 93. Identifiers: MedGen C1970841, MONDO:0010393, OMIM 300659.

Submission:

Greenwood Genetic Center Diagnostic Laboratories, Greenwood Genetic Center
Classification: Likely pathogenic for Intellectual developmental disorder, X-linked 93. Last evaluated: 2022-09-28. Review status: criteria provided, single submitter. Criteria: ACMG Guidelines, 2015. Collection method: clinical testing. Allele origin: germline. Affected: yes.
Comment: PVS1 PM2

NM_153252.5(BRWD3):c.144G>A (p.Trp48Ter)

Gene: BRWD3 (bromodomain and WD repeat domain containing 3; minus strand). Cytogenetic location: Xq21.1.
Variant type: single nucleotide variant.
Coding change: c.144G>A on transcript NM_153252.5 (MANE Select); coding-DNA position 144, G replaced by A.
Protein change: p.Trp48Ter; replaces tryptophan 48 with a stop codon.
Molecular consequence: nonsense.
Genome position (GRCh38, 1-based): chrX:80,808,575, C>T on the plus strand (G>A on the coding strand, the complement: BRWD3 is on the minus strand). VCF-style: chrX-80808575-C-T. GRCh37 (hg19) VCF-style: chrX-80064074-C-T.
Other names: short protein forms W48*.
Identifiers: ClinVar variation 1710421 (VCV001710421.3), dbSNP rs2521148248, ClinGen allele CA413745508.